The following is an entry in ClinVar:

ClinVar aggregate classification (germline): Likely benign (1 of 4 stars; one submission).

Allele frequency attached by ClinVar (database versions not stated): gnomAD 0.00001; TOPMed 0.00001.

Submission:

CeGaT Center for Human Genetics Tuebingen
Classification: Likely benign. Last evaluated: 2022-05-01. Review status: criteria provided, single submitter. Criteria: CeGaT Center For Human Genetics Tuebingen Variant Classification Criteria Version 2. Collection method: clinical testing. Allele origin: germline. Affected: yes. Observed: 1 variant allele.
Comment: SOX4: BP4, BP7

NM_003107.3(SOX4):c.1011C>T (p.Pro337=)

Gene: SOX4 (SRY-box transcription factor 4; plus strand). Cytogenetic location: 6p22.3.
Variant type: single nucleotide variant.
Coding change: c.1011C>T on transcript NM_003107.3 (MANE Select); coding-DNA position 1011, C replaced by T.
Protein change: p.Pro337=; no amino-acid change (proline 337 retained).
Molecular consequence: synonymous variant.
Genome position (GRCh38, 1-based): chr6:21,595,545, C>T. VCF-style: chr6-21595545-C-T. GRCh37 (hg19) VCF-style: chr6-21595776-C-T.
Identifiers: ClinVar variation 2656279 (VCV002656279.24), dbSNP rs1383452385, ClinGen allele CA448962567.